The following is an entry in ClinVar:

ClinVar aggregate classification (germline): not provided. Review status: no classification provided (0 of 4 stars). 4 submissions from 1 submitter: not provided (4).

Conditions:
Preeclampsia. Identifiers: Orphanet 275555, MedGen C0032914, MONDO:0005081, HP:0100602.
Normal pregnancy. Identifiers: MedGen C0232989.
Large for gestational age. Identifiers: MedGen C1848395, HP:0001520.
Gestational diabetes mellitus uncontrolled. Identifiers: MedGen C3532257.

Submissions (4):

Institute of Molecular and Cell Biology, University of Tartu
No classification provided. Condition: Normal pregnancy. Review status: no classification provided. Collection method: case-control. Allele origin: unknown. Affected: yes. Study: Kasak2014.
Comment: The study aimed to determine the contribution of copy number variants in the genetic etiology of normal and complicated pregnancies. The samples represented (i) maternal blood DNA drawn from healthy pregnant women during 1st or 2nd trimester and (ii) maternal and paternal blood DNA drawn at term pregnancy cases representing normal and complicated gestations (severe preeclampsia, PE; gestational diabetes, GD; small-for-gestational age newborn, SGA; large-for-gestational age newborn, LGA). We performed CNV calling based on genome-wide genotyping dataset (Illumina HumanOmniExpress-24-v1 BeadChip) by applying three algorithms, QuantiSNP, GADA (Genome Alteration Detection Algorithm) and CNstream in parallel. The acquired CNV calls were merged with HD-CNV (Hotspot Detector for Copy Number Variants) program and only the CNVs predicted by at least two programs, were considered in subsequent analysis.

Institute of Molecular and Cell Biology, University of Tartu
No classification provided. Condition: Large for gestational age. Review status: no classification provided. Collection method: case-control. Allele origin: unknown. Affected: yes. Study: Kasak2014.
Comment: the same text as in the submission from Institute of Molecular and Cell Biology, University of Tartu above.

Institute of Molecular and Cell Biology, University of Tartu
No classification provided. Condition: Preeclampsia. Review status: no classification provided. Collection method: case-control. Allele origin: unknown. Affected: yes. Study: Kasak2014.
Comment: the same text as in the submission from Institute of Molecular and Cell Biology, University of Tartu above.

Institute of Molecular and Cell Biology, University of Tartu
No classification provided. Condition: Gestational diabetes mellitus uncontrolled. Review status: no classification provided. Collection method: case-control. Allele origin: unknown. Affected: yes. Study: Kasak2014.
Comment: the same text as in the submission from Institute of Molecular and Cell Biology, University of Tartu above.

Literature cited by the submitters: PubMed 25666259.

NM_000719.7(CACNA1C):c.477+16040_477+23328del

Gene: CACNA1C (calcium voltage-gated channel subunit alpha1 C; plus strand). Cytogenetic location: 12p13.33.
Variant type: Deletion.
Coding change: c.477+16040_477+23328del on transcript NM_000719.7 (MANE Select); bases 16040 to 23328 of the intron after coding-DNA position 477, 7,289 bases deleted.
Molecular consequence: intron variant.
Genome position (GRCh38, 1-based): chr12:2,136,470-2,143,758, 7,289 bases deleted. GRCh37 (hg19): chr12:2,245,636-2,252,924.
Other names: c.477+16040_477+23328del (NM_001167624.3, NM_001167623.2, NM_001167625.2 and 19 more transcripts).
Identifiers: ClinVar variation 157232 (VCV000157232.2), ClinGen allele CA212320.